The following is an entry in ClinVar:

ClinVar aggregate classification (germline): Conflicting classifications of pathogenicity. Review status: criteria provided, conflicting classifications (1 of 4 stars). 3 submissions from 3 submitters: Uncertain significance (1); Likely benign (2). Last evaluated 2026-03-01.

Allele frequency attached by ClinVar (database versions not stated): gnomAD 0.00001; TOPMed 0.00002.
gnomAD v4.1: 21 of 1,525,268 alleles (0.0014%); highest among the groups gnomAD compares: African/African-American, 0.0028%; no homozygotes.

Submissions (3):

CeGaT Center for Human Genetics Tuebingen
Classification: Likely benign. Last evaluated: 2026-03-01. Review status: criteria provided, single submitter. Criteria: CeGaT Center For Human Genetics Tuebingen Variant Classification Criteria Version 2. Collection method: clinical testing. Allele origin: germline. Affected: yes. Observed: 1 variant allele.
Comment: NOTCH3: BP4, BP7

Labcorp Genetics (formerly Invitae), Labcorp
Classification: Likely benign. Last evaluated: 2025-07-21. Review status: criteria provided, single submitter. Criteria: Invitae Variant Classification Sherloc (09022015). Collection method: clinical testing. Allele origin: germline.

Athena Diagnostics
Classification: Uncertain significance. Last evaluated: 2021-01-20. Review status: criteria provided, single submitter. Criteria: Athena Diagnostics criteria. Collection method: clinical testing. Allele origin: unknown.

NM_000435.3(NOTCH3):c.6255G>A (p.Thr2085=)

Gene: NOTCH3 (notch receptor 3; minus strand). Cytogenetic location: 19p13.12.
Variant type: single nucleotide variant.
Coding change: c.6255G>A on transcript NM_000435.3 (MANE Select); coding-DNA position 6255, G replaced by A.
Protein change: p.Thr2085=; no amino-acid change (threonine 2085 retained).
Molecular consequence: synonymous variant.
Genome position (GRCh38, 1-based): chr19:15,161,373, C>T on the plus strand (G>A on the coding strand, the complement: NOTCH3 is on the minus strand). VCF-style: chr19-15161373-C-T. GRCh37 (hg19) VCF-style: chr19-15272184-C-T.
Identifiers: ClinVar variation 1256536 (VCV001256536.7), dbSNP rs967649457, ClinGen allele CA305758425.